The following is an entry in ClinVar:

ClinVar aggregate classification (germline): Uncertain significance. Review status: criteria provided, multiple submitters, no conflicts (2 of 4 stars). 2 submissions from 2 submitters: Uncertain significance (2). Last evaluated 2022-06-28.

Conditions:
Adams-Oliver syndrome 4 (AOS4). Identifiers: Orphanet 974, MedGen C3809092, MONDO:0014124, OMIM 615297.
Inborn genetic diseases. Identifiers: MedGen C0950123, MeSH D030342.

Allele frequency attached by ClinVar (database versions not stated): gnomAD exomes 0.00002; gnomAD 0.00003 and 0.00005; TOPMed 0.00003; 1000 Genomes Project 30x 0.00016; 1000 Genomes Project 0.00020.
gnomAD v4.1: 27 of 1,613,576 alleles (0.0017%); highest among the groups gnomAD compares: East Asian, 0.027%; no homozygotes.

Submissions (2):

Ambry Genetics
Classification: Uncertain significance for Inborn genetic diseases. Last evaluated: 2022-06-28. Review status: criteria provided, single submitter. Criteria: Ambry Variant Classification Scheme 2023. Collection method: clinical testing. Allele origin: germline.

Labcorp Genetics (formerly Invitae), Labcorp
Classification: Uncertain significance for Adams-Oliver syndrome 4. Last evaluated: 2020-03-14. Review status: criteria provided, single submitter. Criteria: Invitae Variant Classification Sherloc (09022015). Collection method: clinical testing. Allele origin: germline.
Comment: In summary, the available evidence is currently insufficient to determine the role of this variant in disease. Therefore, it has been classified as a Variant of Uncertain Significance. Algorithms developed to predict the effect of missense changes on protein structure and function (SIFT, PolyPhen-2, Align-GVGD) all suggest that this variant is likely to be disruptive, but these predictions have not been confirmed by published functional studies and their clinical significance is uncertain. This variant has not been reported in the literature in individuals with EOGT-related conditions. This variant is not present in population databases (ExAC no frequency). This sequence change replaces arginine with tryptophan at codon 288 of the EOGT protein (p.Arg288Trp). The arginine residue is highly conserved and there is a moderate physicochemical difference between arginine and tryptophan.

NM_001278689.2(EOGT):c.1114C>T (p.Arg372Trp)

Gene: EOGT (EGF domain specific O-linked N-acetylglucosamine transferase; minus strand). Cytogenetic location: 3p14.1.
Variant type: single nucleotide variant.
Coding change: c.1114C>T on transcript NM_001278689.2 (MANE Select); coding-DNA position 1114, C replaced by T.
Protein change: p.Arg372Trp; replaces arginine 372 with tryptophan.
Molecular consequence: missense variant. On other transcripts: non-coding transcript variant (1).
Genome position (GRCh38, 1-based): chr3:68,987,483, G>A on the plus strand (C>T on the coding strand, the complement: EOGT is on the minus strand). VCF-style: chr3-68987483-G-A. GRCh37 (hg19) VCF-style: chr3-69036634-G-A.
Other names: c.862C>T (NM_173654.1); c.862C>T, p.Arg288Trp (NM_173654.3); short protein forms R288W, R372W.
Identifiers: ClinVar variation 1010701 (VCV001010701.7), dbSNP rs186870285, ClinGen allele CA76440757.